The following is an entry in ClinVar:

ClinVar aggregate classification (germline): Benign. Review status: criteria provided, single submitter (1 of 4 stars). 2 submissions from 2 submitters: Benign (1). 1 of the submissions does not count toward it. Last evaluated 2026-01-27.

Conditions:
CEP89-related disorder. Also called: CEP89-related condition.

Allele frequency attached by ClinVar (database versions not stated): gnomAD exomes 0.00006; ExAC 0.00021; 1000 Genomes Project 0.00060; gnomAD 0.00068; TOPMed 0.00079; 1000 Genomes Project 30x 0.00094.
gnomAD v4.1: 189 of 1,614,014 alleles (0.012%); highest among the groups gnomAD compares: African/African-American, 0.23%; 1 homozygote.

Submissions (2):

Labcorp Genetics (formerly Invitae), Labcorp
Classification: Benign. Last evaluated: 2026-01-27. Review status: criteria provided, single submitter. Criteria: Invitae Variant Classification Sherloc (09022015). Collection method: clinical testing. Allele origin: germline.

PreventionGenetics, part of Exact Sciences
Classification: Likely benign for CEP89-related condition. Last evaluated: 2023-04-24. Review status: no assertion criteria provided. Collection method: clinical testing. Allele origin: germline. Not counted in ClinVar's aggregate classification.
Comment: This variant is classified as likely benign based on ACMG/AMP sequence variant interpretation guidelines (Richards et al. 2015 PMID: 25741868, with internal and published modifications).

NM_032816.5(CEP89):c.417A>G (p.Glu139=)

Gene: CEP89 (centrosomal protein 89; minus strand). Cytogenetic location: 19q13.11.
Variant type: single nucleotide variant.
Coding change: c.417A>G on transcript NM_032816.5 (MANE Select); coding-DNA position 417, A replaced by G.
Protein change: p.Glu139=; no amino-acid change (glutamic acid 139 retained).
Molecular consequence: synonymous variant.
Genome position (GRCh38, 1-based): chr19:32,953,690, T>C on the plus strand (A>G on the coding strand, the complement: CEP89 is on the minus strand). VCF-style: chr19-32953690-T-C. GRCh37 (hg19) VCF-style: chr19-33444596-T-C.
Other names: c.417A>G (NM_032816.4).
Identifiers: ClinVar variation 2068552 (VCV002068552.6), dbSNP rs74954479, ClinGen allele CA9359707.